The following is an entry in ClinVar:

ClinVar aggregate classification (germline): Benign. Review status: reviewed by expert panel (3 of 4 stars). 3 submissions from 3 submitters: Benign (1). 2 of the submissions do not count toward it. Last evaluated 2015-01-12.

Conditions:
Breast-ovarian cancer, familial, susceptibility to, 2 (BROVCA2). Also called: BRCA2 Hereditary Breast and Ovarian Cancer. Identifiers: Orphanet 145, MedGen C2675520, MONDO:0012933, OMIM 612555. Disease mechanism: loss of function.

Allele frequency attached by ClinVar (database versions not stated): gnomAD exomes 0.00075; gnomAD 0.00724 and 0.00769; TOPMed 0.00807; 1000 Genomes Project 0.00819; 1000 Genomes Project 30x 0.00953.
gnomAD v4.1: 1,789 of 1,025,358 alleles (0.17%); highest among the groups gnomAD compares: African/African-American, 2.3%; 17 homozygotes.

Submissions (3):

Evidence-based Network for the Interpretation of Germline Mutant Alleles (ENIGMA)
Classification: Benign for Breast-ovarian cancer, familial 2. Last evaluated: 2015-01-12. Review status: reviewed by expert panel. Criteria: ENIGMA BRCA1/2 Classification Criteria (2015). Collection method: curation. Allele origin: germline.
Comment: Class 1 not pathogenic based on frequency >1% in an outbred sampleset. Frequency 0.01829 (African), derived from 1000 genomes (2012-04-30).

GeneDx
Classification: Likely benign. Last evaluated: 2018-06-17. Review status: criteria provided, single submitter. Criteria: GeneDx Variant Classification (06012015). Collection method: clinical testing. Allele origin: germline. Affected: yes. Not counted in ClinVar's aggregate classification.
Comment: This variant is considered likely benign or benign based on one or more of the following criteria: it is a conservative change, it occurs at a poorly conserved position in the protein, it is predicted to be benign by multiple in silico algorithms, and/or has population frequency not consistent with disease.

Breakthrough Genomics
Classification: Benign. Review status: criteria provided, single submitter. Criteria: ACMG Guidelines, 2015. Collection method: not provided. Allele origin: germline. Inheritance: Autosomal recessive inheritance. Affected: yes. Not counted in ClinVar's aggregate classification.

NM_000059.4(BRCA2):c.8331+109G>A

Gene: BRCA2 (BRCA2 DNA repair associated; plus strand). Cytogenetic location: 13q13.1.
Variant type: single nucleotide variant.
Coding change: c.8331+109G>A on transcript NM_000059.4 (MANE Select); 109 bases into the intron after coding-DNA position 8331, G replaced by A.
Molecular consequence: intron variant.
Genome position (GRCh38, 1-based): chr13:32,363,642, G>A. VCF-style: chr13-32363642-G-A. GRCh37 (hg19) VCF-style: chr13-32937779-G-A.
Other names: IVS 18+109G>A.
Identifiers: ClinVar variation 209777 (VCV000209777.2), dbSNP rs11571719, ClinGen allele CA276745.